The following is an entry in ClinVar:

NM_004727.3(SLC24A1):c.2017C>G (p.Gln673Glu)

Gene: SLC24A1 (solute carrier family 24 member 1; plus strand). Cytogenetic location: 15q22.31.
Variant type: single nucleotide variant.
Coding change: c.2017C>G on transcript NM_004727.3 (MANE Select); coding-DNA position 2017, C replaced by G.
Protein change: p.Gln673Glu; replaces glutamine 673 with glutamic acid.
Molecular consequence: missense variant.
Genome position (GRCh38, 1-based): chr15:65,639,667, C>G. VCF-style: chr15-65639667-C-G. GRCh37 (hg19) VCF-style: chr15-65932005-C-G.
Other names: c.2017C>G, p.Gln673Glu (NM_001301031.1); c.1963C>G, p.Gln655Glu (NM_001301032.1, NM_001301033.2); short protein forms Q673E, Q655E.
Identifiers: ClinVar variation 1422042 (VCV001422042.6), dbSNP rs894341016, ClinGen allele CA271597964.
Genomic context (GRCh38, chr15:65,639,667, plus strand): 5'-CTGACCCGAGGGAGCAGCTCGACCTCTCTGCACAACAGCACCATCCGCAGCACCATCTAC[C>G]AGCTCATGCTCCACAGCCTGGACCCCCTGAGGGAAGGTAAGCAAGGCCTCTCCAGACCTT-3'
Protein context (NP_004718.1, residues 663-683): HNSTIRSTIY[Gln673Glu]LMLHSLDPLR

ClinVar aggregate classification (germline): Uncertain significance (1 of 4 stars; one submission).

Submission:

Labcorp Genetics (formerly Invitae), Labcorp
Classification: Uncertain significance. Last evaluated: 2026-01-06. Review status: criteria provided, single submitter. Criteria: Invitae Variant Classification Sherloc (09022015). Collection method: clinical testing. Allele origin: germline.
Comment: This sequence change replaces glutamine, which is neutral and polar, with glutamic acid, which is acidic and polar, at codon 673 of the SLC24A1 protein (p.Gln673Glu). This variant is not present in population databases (gnomAD no frequency). This variant has not been reported in the literature in individuals affected with SLC24A1-related conditions. ClinVar contains an entry for this variant (Variation ID: 1422042). An algorithm developed to predict the effect of missense changes on protein structure and function (PolyPhen-2) suggests that this variant is likely to be tolerated. In summary, the available evidence is currently insufficient to determine the role of this variant in disease. Therefore, it has been classified as a Variant of Uncertain Significance.